The following is an entry in ClinVar:

NM_000204.5(CFI):c.1430-113T>C

Gene: CFI (complement factor I; minus strand). Cytogenetic location: 4q25.
Variant type: single nucleotide variant.
Coding change: c.1430-113T>C on transcript NM_000204.5 (MANE Select); 113 bases into the intron before coding-DNA position 1430, T replaced by C.
Molecular consequence: intron variant.
Genome position (GRCh38, 1-based): chr4:109,742,708, A>G on the plus strand (T>C on the coding strand, the complement: CFI is on the minus strand). VCF-style: chr4-109742708-A-G. GRCh37 (hg19) VCF-style: chr4-110663864-A-G.
Other names: c.1409-113T>C (NM_001375282.1, NM_001375280.1, NM_001331035.2); c.1430-113T>C (NM_001375281.1, NM_001375279.1); c.1454-113T>C (NM_001375278.1, NM_001318057.2); c.821-113T>C (NM_001375284.1); c.1373-113T>C (NM_001375283.1).
Identifiers: ClinVar variation 1258604 (VCV001258604.2), dbSNP rs78571767, ClinGen allele CA11893864.

ClinVar aggregate classification (germline): Benign (1 of 4 stars; one submission).

Allele frequency attached by ClinVar (database versions not stated): 1000 Genomes Project 30x 0.02889; 1000 Genomes Project 0.02895; TOPMed 0.05192; gnomAD 0.05807 and 0.05959; gnomAD exomes 0.06889.
gnomAD v4.1: 47,174 of 710,756 alleles (6.6%); highest among the groups gnomAD compares: Non-Finnish European, 8.2%; 1,970 homozygotes.

Submission:

GeneDx
Classification: Benign. Last evaluated: 2018-11-11. Review status: criteria provided, single submitter. Criteria: GeneDx Variant Classification Process June 2021. Collection method: clinical testing. Allele origin: germline. Affected: yes.
Comment: This variant is associated with the following publications: (PMID: 18685559)